The following is an entry in ClinVar:

ClinVar aggregate classification (germline): Benign (0 of 4 stars; one submission).

Conditions:
PRR12-related disorder. Also called: PRR12-related condition.

Allele frequency attached by ClinVar (database versions not stated): gnomAD 0.04094; 1000 Genomes Project 0.04453; gnomAD exomes 0.04816; ExAC 0.08683; ESP Exome Variant Server 0.02038; TOPMed 0.03920.

Submission:

PreventionGenetics, part of Exact Sciences
Classification: Benign for PRR12-related condition. Last evaluated: 2019-06-28. Review status: no assertion criteria provided. Collection method: clinical testing. Allele origin: germline.
Comment: This variant is classified as benign based on ACMG/AMP sequence variant interpretation guidelines (Richards et al. 2015 PMID: 25741868, with internal and published modifications).

NM_020719.3(PRR12):c.4546C>A (p.Pro1516Thr)

Gene: PRR12 (proline rich 12; plus strand). Cytogenetic location: 19q13.33.
Variant type: single nucleotide variant.
Coding change: c.4546C>A on transcript NM_020719.3 (MANE Select); coding-DNA position 4546, C replaced by A.
Protein change: p.Pro1516Thr; replaces proline 1516 with threonine.
Molecular consequence: missense variant.
Genome position (GRCh38, 1-based): chr19:49,601,691, C>A. VCF-style: chr19-49601691-C-A. GRCh37 (hg19) VCF-style: chr19-50104948-C-A.
Other names: short protein forms P1516T.
Identifiers: ClinVar variation 3057020 (VCV003057020.2), dbSNP rs142810131, ClinGen allele CA9578512.